The following is an entry in ClinVar:

GRCh37/hg19 8p11.21(chr8:42274264-42307548)x1

Gene: SLC20A2 (solute carrier family 20 member 2; minus strand). Cytogenetic location: 8p11.21.
Variant type: copy number loss.
Change: copy number 1 (one copy instead of two) of chr8:42,274,264-42,307,548 (33.3 kb, GRCh37 coordinates, 1-based), cytogenetic band 8p11.21.
Identifiers: ClinVar variation 2685308 (VCV002685308.1).

ClinVar aggregate classification (germline): Pathogenic (1 of 4 stars; one submission).

Submission:

Quest Diagnostics Nichols Institute San Juan Capistrano
Classification: Pathogenic. Last evaluated: 2022-10-27. Review status: criteria provided, single submitter. Criteria: ACMG/ClinGen CNV Guidelines, 2019. Collection method: clinical testing. Allele origin: unknown.
Comment: This copy number loss includes several exons of the 3' portion of SLC20A2 (exons 6-11). Heterozygous pathogenic loss-of-function variants, including deletions, are associated with autosomal idiopathic dominant basal ganglia calcification 1 (OMIM 213600; Giorgio et al., J Hum Genet. 2019 Nov;64(11):1083-1090. doi: 10.1038/s10038-019-0668-3. Epub 2019 Sep 9. PMID: 31501477). Thus, this copy number variant (CNV) is classified as pathogenic.